The following is an entry in ClinVar:

ClinVar aggregate classification (germline): Uncertain significance (1 of 4 stars; one submission).

Conditions:
Landau-Kleffner syndrome (FESD). Also called: EPILEPSY, FOCAL, WITH SPEECH DISORDER AND WITH OR WITHOUT MENTAL RETARDATION; APHASIA, ACQUIRED, WITH EPILEPSY. Identifiers: Orphanet 1945, Orphanet 725, Orphanet 98818, MedGen C0282512, MONDO:0009509, OMIM 245570.

gnomAD v4.1: 6 of 1,613,904 alleles (0.00037%); highest among the groups gnomAD compares: East Asian, 0.0045%; no homozygotes.

Submission:

Labcorp Genetics (formerly Invitae), Labcorp
Classification: Uncertain significance for Landau-Kleffner syndrome. Last evaluated: 2024-12-09. Review status: criteria provided, single submitter. Criteria: Invitae Variant Classification Sherloc (09022015). Collection method: clinical testing. Allele origin: germline.
Comment: This sequence change replaces valine, which is neutral and non-polar, with methionine, which is neutral and non-polar, at codon 1000 of the GRIN2A protein (p.Val1000Met). This variant is not present in population databases (gnomAD no frequency). This variant has not been reported in the literature in individuals affected with GRIN2A-related conditions. ClinVar contains an entry for this variant (Variation ID: 665830). Invitae Evidence Modeling of protein sequence and biophysical properties (such as structural, functional, and spatial information, amino acid conservation, physicochemical variation, residue mobility, and thermodynamic stability) indicates that this missense variant is not expected to disrupt GRIN2A protein function with a negative predictive value of 95%. In summary, the available evidence is currently insufficient to determine the role of this variant in disease. Therefore, it has been classified as a Variant of Uncertain Significance.

NM_001134407.3(GRIN2A):c.2998G>A (p.Val1000Met)

Gene: GRIN2A (glutamate ionotropic receptor NMDA type subunit 2A; minus strand). Cytogenetic location: 16p13.2.
Variant type: single nucleotide variant.
Coding change: c.2998G>A on transcript NM_001134407.3 (MANE Select); coding-DNA position 2998, G replaced by A.
Protein change: p.Val1000Met; replaces valine 1000 with methionine.
Molecular consequence: missense variant.
Genome position (GRCh38, 1-based): chr16:9,764,546, C>T on the plus strand (G>A on the coding strand, the complement: GRIN2A is on the minus strand). VCF-style: chr16-9764546-C-T. GRCh37 (hg19) VCF-style: chr16-9858403-C-T.
Other names: c.2998G>A, p.Val1000Met (NM_000833.5, NM_001134408.2); short protein forms V1000M.
Identifiers: ClinVar variation 665830 (VCV000665830.7), dbSNP rs1596377028, ClinGen allele CA394708891.
Genomic context (GRCh38, chr16:9,764,546, plus strand): 5'-AATCCACGGATTTCTTCCACAGCTGCCGGGGTCTAGAGTTCGCTTTGGATTCTGTGCTCA[C>T]GGCCACCTCCACCGTGTTAGGGTTGGACTCATTGAGAGTAAGAGGATGTTGTCCCTGGAA-3'
Protein context (NP_001127879.1, residues 990-1010): ESNPNTVEVA[Val1000Met]STESKANSRP